The following is an entry in ClinVar:

NM_001044.5(SLC6A3):c.1544G>A (p.Arg515Gln)

Gene: SLC6A3 (solute carrier family 6 member 3). Cytogenetic location: 5p15.33.
Variant type: single nucleotide variant.
Coding change: c.1544G>A on transcript NM_001044.5 (MANE Select); coding-DNA position 1544, G replaced by A.
Protein change: p.Arg515Gln; replaces arginine 515 with glutamine.
Molecular consequence: missense variant.
Genome position (GRCh38, 1-based): chr5:1,406,243, C>T on the plus strand (G>A on the coding strand, the complement: SLC6A3 is on the minus strand). VCF-style: chr5-1406243-C-T. GRCh37 (hg19) VCF-style: chr5-1406358-C-T.
Other names: short protein forms R515Q.
Identifiers: ClinVar variation 966831 (VCV000966831.9), dbSNP rs1236294203, ClinGen allele CA359075974.

ClinVar aggregate classification (germline): Uncertain significance (1 of 4 stars; one submission).

Conditions:
Parkinsonism-dystonia, infantile. Identifiers: Orphanet 238455, MedGen C2751067, MONDO:0013150.

Allele frequency attached by ClinVar (database versions not stated): gnomAD 0.00001; gnomAD exomes 0.00001 and 0.00002; TOPMed 0.00001.
gnomAD v4.1: 31 of 1,612,904 alleles (0.0019%); highest among the groups gnomAD compares: Non-Finnish European, 0.0025%; no homozygotes.

Submission:

Labcorp Genetics (formerly Invitae), Labcorp
Classification: Uncertain significance for Parkinsonism-dystonia, infantile. Last evaluated: 2024-10-29. Review status: criteria provided, single submitter. Criteria: Invitae Variant Classification Sherloc (09022015). Collection method: clinical testing. Allele origin: germline.
Comment: This sequence change replaces arginine, which is basic and polar, with glutamine, which is neutral and polar, at codon 515 of the SLC6A3 protein (p.Arg515Gln). This variant is present in population databases (no rsID available, gnomAD 0.0009%). This variant has not been reported in the literature in individuals affected with SLC6A3-related conditions. ClinVar contains an entry for this variant (Variation ID: 966831). Invitae Evidence Modeling of protein sequence and biophysical properties (such as structural, functional, and spatial information, amino acid conservation, physicochemical variation, residue mobility, and thermodynamic stability) indicates that this missense variant is not expected to disrupt SLC6A3 protein function with a negative predictive value of 80%. In summary, the available evidence is currently insufficient to determine the role of this variant in disease. Therefore, it has been classified as a Variant of Uncertain Significance.